The following is an entry in ClinVar:

ClinVar aggregate classification (germline): Uncertain significance (1 of 4 stars; one submission).

Allele frequency attached by ClinVar (database versions not stated): gnomAD 0.00003; TOPMed 0.00003; gnomAD exomes 0.00005 and 0.00006; ExAC 0.00006; ESP Exome Variant Server 0.00008.
gnomAD v4.1: 78 of 1,612,680 alleles (0.0048%); highest among the groups gnomAD compares: Middle Eastern, 0.016%; no homozygotes.

Submission:

Labcorp Genetics (formerly Invitae), Labcorp
Classification: Uncertain significance. Last evaluated: 2026-02-02. Review status: criteria provided, single submitter. Criteria: Invitae Variant Classification Sherloc (09022015). Collection method: clinical testing. Allele origin: germline.
Comment: This sequence change replaces glycine, which is neutral and non-polar, with valine, which is neutral and non-polar, at codon 319 of the GDF5 protein (p.Gly319Val). This variant is present in population databases (rs368375586, gnomAD 0.01%). This missense change has been observed in individual(s) with brachydactyly C (PMID: 25994865). ClinVar contains an entry for this variant (Variation ID: 1020802). Invitae Evidence Modeling of protein sequence and biophysical properties (such as structural, functional, and spatial information, amino acid conservation, physicochemical variation, residue mobility, and thermodynamic stability) has been performed for this missense variant. However, the output from this modeling did not meet the statistical confidence thresholds required to predict the impact of this variant on GDF5 protein function. Experimental studies have shown that this missense change affects GDF5 function (PMID: 25994865). In summary, the available evidence is currently insufficient to determine the role of this variant in disease. Therefore, it has been classified as a Variant of Uncertain Significance.

Literature cited by the submitters: PubMed 25994865.

NM_000557.5(GDF5):c.956G>T (p.Gly319Val)

Genes: GDF5 (growth differentiation factor 5; minus strand), GDF5-AS1 (GDF5 antisense RNA 1; plus strand). Cytogenetic location: 20q11.22.
Variant type: single nucleotide variant.
Coding change: c.956G>T on transcript NM_000557.5 (MANE Select); coding-DNA position 956, G replaced by T.
Protein change: p.Gly319Val; replaces glycine 319 with valine.
Molecular consequence: missense variant. On other transcripts: non-coding transcript variant (1).
Genome position (GRCh38, 1-based): chr20:35,434,459, C>A on the plus strand (G>T on the coding strand, the complement: GDF5 is on the minus strand). VCF-style: chr20-35434459-C-A. GRCh37 (hg19) VCF-style: chr20-34022257-C-A.
Other names: c.956G>T, p.Gly319Val (NM_001319138.2); short protein forms G319V.
Identifiers: ClinVar variation 1020802 (VCV001020802.7), dbSNP rs368375586, ClinGen allele CA9832201.